The following is an entry in ClinVar:

ClinVar aggregate classification (germline): Uncertain significance. Review status: criteria provided, multiple submitters, no conflicts (2 of 4 stars). 2 submissions from 2 submitters: Uncertain significance (2). Last evaluated 2025-01-16.

Allele frequency attached by ClinVar (database versions not stated): gnomAD 0.00003; TOPMed 0.00008.

Submissions (2):

Ambry Genetics
Classification: Uncertain significance. Last evaluated: 2025-01-16. Review status: criteria provided, single submitter. Criteria: Ambry Variant Classification Scheme 2023. Collection method: clinical testing. Allele origin: germline.

Labcorp Genetics (formerly Invitae), Labcorp
Classification: Uncertain significance. Last evaluated: 2023-07-19. Review status: criteria provided, single submitter. Criteria: Invitae Variant Classification Sherloc (09022015). Collection method: clinical testing. Allele origin: germline.
Comment: This variant has not been reported in the literature in individuals affected with SCARB1-related conditions. Advanced modeling of protein sequence and biophysical properties (such as structural, functional, and spatial information, amino acid conservation, physicochemical variation, residue mobility, and thermodynamic stability) performed at Invitae indicates that this missense variant is expected to disrupt SCARB1 protein function. In summary, the available evidence is currently insufficient to determine the role of this variant in disease. Therefore, it has been classified as a Variant of Uncertain Significance. This variant is not present in population databases (gnomAD no frequency). This sequence change replaces methionine, which is neutral and non-polar, with lysine, which is basic and polar, at codon 136 of the SCARB1 protein (p.Met136Lys).

NM_005505.5(SCARB1):c.407T>A (p.Met136Lys)

Gene: SCARB1 (scavenger receptor class B member 1; minus strand). Cytogenetic location: 12q24.31.
Variant type: single nucleotide variant.
Coding change: c.407T>A on transcript NM_005505.5 (MANE Select); coding-DNA position 407, T replaced by A.
Protein change: p.Met136Lys; replaces methionine 136 with lysine.
Molecular consequence: missense variant. On other transcripts: non-coding transcript variant (9).
Genome position (GRCh38, 1-based): chr12:124,814,992, A>T on the plus strand (T>A on the coding strand, the complement: SCARB1 is on the minus strand). VCF-style: chr12-124814992-A-T. GRCh37 (hg19) VCF-style: chr12-125299538-A-T.
Other names: c.407T>A (NM_005505.4); c.407T>A, p.Met136Lys (NM_001082959.2, NM_001367981.1, NM_001367983.1 and 6 more transcripts); c.284T>A, p.Met95Lys (NM_001367982.1); short protein forms M136K, M95K.
Identifiers: ClinVar variation 2899446 (VCV002899446.4), dbSNP rs1950649336, ClinGen allele CA387207110.
Genomic context (GRCh38, chr12:124,814,992, plus strand): 5'-GGTCAGGGTGCGAGGCGGCGTGGGCCACAGGGCAGCCTCACCAAGACCAGGATGTTGGGC[A>T]TGACGATGTAGTCGCTCTCCGAGCCGTGGGACTTGGAGGGCTGGAACTGGAAGGTGCGGT-3'
Protein context (NP_005496.4, residues 126-146): SHGSESDYIV[Met136Lys]PNILVLGAAV